The following is an entry in ClinVar:

ClinVar aggregate classification (germline): Likely benign (1 of 4 stars; one submission).

gnomAD v4.1: 44 of 1,613,974 alleles (0.0027%); highest among the groups gnomAD compares: Non-Finnish European, 0.0033%; no homozygotes.

Submission:

CeGaT Center for Human Genetics Tuebingen
Classification: Likely benign. Last evaluated: 2026-06-01. Review status: criteria provided, single submitter. Criteria: CeGaT Center For Human Genetics Tuebingen Variant Classification Criteria Version 2. Collection method: clinical testing. Allele origin: germline. Affected: yes. Observed: 1 variant allele.
Comment: ABHD14A-ACY1: BP4, BP7; ACY1: BP4, BP7

NM_000666.3(ACY1):c.180G>A (p.Val60=)

Genes: ABHD14A-ACY1 (ABHD14A-ACY1 readthrough; plus strand), ACY1 (aminoacylase 1; plus strand). Cytogenetic location: 3p21.2.
Variant type: single nucleotide variant.
Coding change: c.180G>A on transcript NM_000666.3 (MANE Select); coding-DNA position 180, G replaced by A.
Protein change: p.Val60=; no amino-acid change (valine 60 retained).
Molecular consequence: synonymous variant. On other transcripts: intron variant (1).
Genome position (GRCh38, 1-based): chr3:51,985,381, G>A. VCF-style: chr3-51985381-G-A. GRCh37 (hg19) VCF-style: chr3-52019397-G-A.
Other names: c.450G>A, p.Val150= (NM_001316331.2); c.180G>A, p.Val60= (NM_001198895.2, NM_001198896.2, NM_001198897.2); c.95-20G>A (NM_001198898.2).
Identifiers: ClinVar variation 4874439 (VCV004874439.2).